The following is an entry in ClinVar:

NM_020376.4(PNPLA2):c.739C>T (p.Arg247Cys)

Gene: PNPLA2 (patatin like domain 2, triacylglycerol lipase; plus strand). Cytogenetic location: 11p15.5.
Variant type: single nucleotide variant.
Coding change: c.739C>T on transcript NM_020376.4 (MANE Select); coding-DNA position 739, C replaced by T.
Protein change: p.Arg247Cys; replaces arginine 247 with cysteine.
Molecular consequence: missense variant.
Genome position (GRCh38, 1-based): chr11:823,569, C>T. VCF-style: chr11-823569-C-T. GRCh37 (hg19) VCF-style: chr11-823569-C-T.
Other names: short protein forms R247C.
Identifiers: ClinVar variation 2892464 (VCV002892464.3), dbSNP rs763604189, ClinGen allele CA216970470.

ClinVar aggregate classification (germline): Uncertain significance (1 of 4 stars; one submission).

Conditions:
Neutral lipid storage myopathy (NLSDM). Also called: NEUTRAL LIPID STORAGE DISEASE WITHOUT ICHTHYOSIS. Identifiers: Orphanet 98908, MedGen C1853136, MONDO:0012545, OMIM 610717.

Allele frequency attached by ClinVar (database versions not stated): TOPMed below 0.00001; gnomAD exomes 0.00001.

Submission:

Labcorp Genetics (formerly Invitae), Labcorp
Classification: Uncertain significance for Neutral lipid storage myopathy. Last evaluated: 2023-10-27. Review status: criteria provided, single submitter. Criteria: Invitae Variant Classification Sherloc (09022015). Collection method: clinical testing. Allele origin: germline.
Comment: This sequence change replaces arginine, which is basic and polar, with cysteine, which is neutral and slightly polar, at codon 247 of the PNPLA2 protein (p.Arg247Cys). The frequency data for this variant in the population databases is considered unreliable, as metrics indicate poor data quality at this position in the gnomAD database. This variant has not been reported in the literature in individuals affected with PNPLA2-related conditions. Advanced modeling of protein sequence and biophysical properties (such as structural, functional, and spatial information, amino acid conservation, physicochemical variation, residue mobility, and thermodynamic stability) performed at Invitae indicates that this missense variant is not expected to disrupt PNPLA2 protein function with a negative predictive value of 80%. In summary, the available evidence is currently insufficient to determine the role of this variant in disease. Therefore, it has been classified as a Variant of Uncertain Significance.